The following is an entry in ClinVar:

ClinVar aggregate classification (germline): Uncertain significance (1 of 4 stars; one submission).

Allele frequency attached by ClinVar (database versions not stated): TOPMed 0.00001.

Submission:

Ambry Genetics
Classification: Uncertain significance. Last evaluated: 2024-06-08. Review status: criteria provided, single submitter. Criteria: Ambry Variant Classification Scheme 2023. Collection method: clinical testing. Allele origin: germline.
Comment: The p.T985A variant (also known as c.2953A>G), located in coding exon 26 of the KIF1B gene, results from an A to G substitution at nucleotide position 2953. The threonine at codon 985 is replaced by alanine, an amino acid with similar properties. This amino acid position is conserved. In addition, the in silico prediction for this alteration is inconclusive. Since supporting evidence is limited at this time, the clinical significance of this alteration remains unclear.

NM_001365951.3(KIF1B):c.3091A>G (p.Thr1031Ala)

Gene: KIF1B (kinesin family member 1B; plus strand). Cytogenetic location: 1p36.22.
Variant type: single nucleotide variant.
Coding change: c.3091A>G on transcript NM_001365951.3 (MANE Select); coding-DNA position 3091, A replaced by G.
Protein change: p.Thr1031Ala; replaces threonine 1031 with alanine.
Molecular consequence: missense variant.
Genome position (GRCh38, 1-based): chr1:10,336,704, A>G. VCF-style: chr1-10336704-A-G. GRCh37 (hg19) VCF-style: chr1-10396762-A-G.
Other names: c.3091A>G, p.Thr1031Ala (NM_001365952.1); c.2953A>G, p.Thr985Ala (NM_015074.3); short protein forms T985A, T1031A.
Identifiers: ClinVar variation 1798081 (VCV001798081.3), dbSNP rs771035918, ClinGen allele CA338339380.